The following is an entry in ClinVar:

NM_000051.4(ATM):c.5918+1G>T

Genes: ATM (ATM serine/threonine kinase; plus strand), C11orf65 (chromosome 11 open reading frame 65; minus strand). Cytogenetic location: 11q22.3.
Variant type: single nucleotide variant.
Coding change: c.5918+1G>T on transcript NM_000051.4 (MANE Select); the canonical splice donor site of the intron after coding-DNA position 5918, G replaced by T.
Molecular consequence: splice donor variant. On other transcripts: intron variant (2).
Genome position (GRCh38, 1-based): chr11:108,310,316, G>T. VCF-style: chr11-108310316-G-T. GRCh37 (hg19) VCF-style: chr11-108181043-G-T.
Other names: c.641-1245C>A (NM_001330368.2); c.*39-1245C>A (NM_001351110.2); c.5918+1G>T (NM_001351834.2).
Identifiers: ClinVar variation 826055 (VCV000826055.24), dbSNP rs1591746871, ClinGen allele CA382548616.

ClinVar aggregate classification (germline): Likely pathogenic. Review status: criteria provided, multiple submitters, no conflicts (2 of 4 stars). 4 submissions from 4 submitters: Likely pathogenic (3). 1 of the submissions does not count toward it. Last evaluated 2025-12-02.

Conditions:
Hereditary cancer-predisposing syndrome. Also called: Tumor predisposition; Neoplastic Syndromes, Hereditary; Hereditary Cancer Syndrome; Hereditary neoplastic syndrome. Identifiers: Orphanet 140162, MedGen C0027672, MeSH D009386, MONDO:0015356.
Familial cancer of breast. Also called: Hereditary breast cancer; BREAST CANCER, FAMILIAL; hereditary breast carcinoma. Identifiers: Orphanet 227535, MedGen C0346153, MONDO:0016419, OMIM 114480. Disease mechanism: loss of function.
Ataxia-telangiectasia syndrome (AT). Also called: ATAXIA-TELANGIECTASIA, COMPLEMENTATION GROUP A; ATAXIA-TELANGIECTASIA, FRESNO VARIANT; Ataxia-telangiectasia; Ataxia-telangiectasia, complementation group D; AT, COMPLEMENTATION GROUP C; Ataxia-telangiectasia, complementation group E. Identifiers: Orphanet 100, MedGen C0004135, MONDO:0008840, OMIM 208900.

Allele frequency attached by ClinVar (database versions not stated): TOPMed below 0.00001.

Submissions (4):

Ambry Genetics
Classification: Likely pathogenic for Hereditary cancer-predisposing syndrome. Last evaluated: 2025-12-02. Review status: criteria provided, single submitter. Criteria: Ambry Variant Classification Scheme 2023. Collection method: clinical testing. Allele origin: germline.
Comment: The c.5918+1G>T intronic variant results from a G to T substitution one nucleotide after coding exon 38 of the ATM gene. This nucleotide position is highly conserved in available vertebrate species. In silico splice site analysis predicts that this alteration will weaken the native splice donor site. RNA studies have demonstrated that this alteration results in abnormal splicing in the set of samples tested (Ambry internal data). This variant is considered to be rare based on population cohorts in the Genome Aggregation Database (gnomAD). Alterations that disrupt the canonical splice site are expected to cause aberrant splicing, resulting in an abnormal protein or a transcript that is subject to nonsense-mediated mRNA decay. As such, this alteration is classified as likely pathogenic.

Labcorp Genetics (formerly Invitae), Labcorp
Classification: Likely pathogenic for Ataxia-telangiectasia syndrome. Last evaluated: 2025-03-27. Review status: criteria provided, single submitter. Criteria: Invitae Variant Classification Sherloc (09022015). Collection method: clinical testing. Allele origin: germline.
Comment: This sequence change affects a donor splice site in intron 39 of the ATM gene. RNA analysis indicates that disruption of this splice site induces altered splicing and may result in an absent or altered protein product. This variant is not present in population databases (gnomAD no frequency). This variant has not been reported in the literature in individuals affected with ATM-related conditions. ClinVar contains an entry for this variant (Variation ID: 826055). Studies have shown that disruption of this splice site results in skipping of exon 39, and produces a non-functional protein and/or introduces a premature termination codon (internal data). In summary, the currently available evidence indicates that the variant is pathogenic, but additional data are needed to prove that conclusively. Therefore, this variant has been classified as Likely Pathogenic.

Myriad Genetics, Inc.
Classification: Likely pathogenic for Familial cancer of breast. Last evaluated: 2024-01-26. Review status: criteria provided, single submitter. Criteria: Myriad Autosomal Dominant, Autosomal Recessive and X-Linked Classification Criteria (2023). Collection method: clinical testing. Allele origin: unknown.
Comment: This variant is considered likely pathogenic. This variant occurs within a consensus splice junction and is predicted to result in abnormal mRNA splicing of either an out-of-frame exon or an in-frame exon necessary for protein stability and/or normal function.

Natera, Inc.
Classification: Likely pathogenic for Ataxia-telangiectasia. Last evaluated: 2020-07-21. Review status: no assertion criteria provided. Collection method: clinical testing. Allele origin: germline. Not counted in ClinVar's aggregate classification.